The following is an entry in ClinVar:

NM_000179.3(MSH6):c.3556+9_3556+10insA

Gene: MSH6 (mutS homolog 6; plus strand). Cytogenetic location: 2p16.3.
Variant type: Insertion.
Coding change: c.3556+9_3556+10insA on transcript NM_000179.3 (MANE Select); bases 9 to 10 of the intron after coding-DNA position 3556, A inserted.
Molecular consequence: intron variant.
Genome position: GRCh38 VCF-style: chr2-47805036-T-TA. GRCh37 (hg19) VCF-style: chr2-48032175-T-TA.
Other names: c.2650+9_2650+10insA (NM_001281493.2, NM_001281494.2); c.3166+9_3166+10insA (NM_001281492.2).
Identifiers: ClinVar variation 1081997 (VCV001081997.10), dbSNP rs1669883708, ClinGen allele CA2496052981.

ClinVar aggregate classification (germline): Likely benign. Review status: criteria provided, multiple submitters, no conflicts (2 of 4 stars). 2 submissions from 2 submitters: Likely benign (2). Last evaluated 2025-01-07.

Conditions:
Hereditary nonpolyposis colorectal neoplasms. Identifiers: MedGen C0009405, MeSH D003123.
Lynch syndrome 5 (LYNCH5). Also called: Hereditary non-polyposis colorectal cancer, type 5; Colorectal cancer, hereditary nonpolyposis, type 5. Identifiers: Orphanet 144, MedGen C1833477, MONDO:0013710, OMIM 614350. Disease mechanism: loss of function.

Allele frequency attached by ClinVar (database versions not stated): TOPMed below 0.00001.

Submissions (2):

Myriad Genetics, Inc.
Classification: Likely benign for Lynch syndrome 5. Last evaluated: 2025-01-07. Review status: criteria provided, single submitter. Criteria: Myriad Autosomal Dominant, Autosomal Recessive and X-Linked Classification Criteria (2023). Collection method: clinical testing. Allele origin: unknown.
Comment: This variant is considered likely benign. This variant is intronic and is not expected to impact mRNA splicing.

Labcorp Genetics (formerly Invitae), Labcorp
Classification: Likely benign for Hereditary nonpolyposis colorectal neoplasms. Last evaluated: 2023-07-28. Review status: criteria provided, single submitter. Criteria: Invitae Variant Classification Sherloc (09022015). Collection method: clinical testing. Allele origin: germline.